The following is an entry in ClinVar:

NM_002202.3(ISL1):c.869C>A (p.Pro290His)

Gene: ISL1 (ISL LIM homeobox 1; plus strand). Cytogenetic location: 5q11.1.
Variant type: single nucleotide variant.
Coding change: c.869C>A on transcript NM_002202.3 (MANE Select); coding-DNA position 869, C replaced by A.
Protein change: p.Pro290His; replaces proline 290 with histidine.
Molecular consequence: missense variant.
Genome position (GRCh38, 1-based): chr5:51,391,377, C>A. VCF-style: chr5-51391377-C-A. GRCh37 (hg19) VCF-style: chr5-50687211-C-A.
Other names: short protein forms P290H.
Identifiers: ClinVar variation 3350007 (VCV003350007.1).

ClinVar aggregate classification (germline): Uncertain significance (0 of 4 stars; one submission).

Conditions:
ISL1-related disorder. Also called: ISL1-related condition.

Submission:

PreventionGenetics, part of Exact Sciences
Classification: Uncertain significance for ISL1-related condition. Last evaluated: 2024-07-01. Review status: no assertion criteria provided. Collection method: clinical testing. Allele origin: germline.
Comment: The ISL1 c.869C>A variant is predicted to result in the amino acid substitution p.Pro290His. To our knowledge, this variant has not been reported in the literature. This variant is reported in 0.14% of alleles in individuals of South Asian descent in gnomAD. At this time, the clinical significance of this variant is uncertain due to the absence of conclusive functional and genetic evidence.